The following is an entry in ClinVar:

ClinVar aggregate classification (germline): Uncertain significance (1 of 4 stars; one submission).

Conditions:
Severe combined immunodeficiency due to IKK2 deficiency. Also called: IMMUNODEFICIENCY 15B; Immunodeficiency 15. Identifiers: Orphanet 397787, MedGen C4747743, MONDO:0014267, OMIM 615592.

Submission:

Labcorp Genetics (formerly Invitae), Labcorp
Classification: Uncertain significance for Severe combined immunodeficiency due to IKK2 deficiency. Last evaluated: 2025-02-17. Review status: criteria provided, single submitter. Criteria: Invitae Variant Classification Sherloc (09022015). Collection method: clinical testing. Allele origin: germline.
Comment: This sequence change replaces cysteine, which is neutral and slightly polar, with arginine, which is basic and polar, at codon 524 of the IKBKB protein (p.Cys524Arg). This variant is not present in population databases (gnomAD no frequency). This variant has not been reported in the literature in individuals affected with IKBKB-related conditions. Invitae Evidence Modeling of protein sequence and biophysical properties (such as structural, functional, and spatial information, amino acid conservation, physicochemical variation, residue mobility, and thermodynamic stability) indicates that this missense variant is not expected to disrupt IKBKB protein function with a negative predictive value of 95%. In summary, the available evidence is currently insufficient to determine the role of this variant in disease. Therefore, it has been classified as a Variant of Uncertain Significance.

NM_001556.3(IKBKB):c.1570T>C (p.Cys524Arg)

Gene: IKBKB (inhibitor of nuclear factor kappa B kinase subunit beta; plus strand). Cytogenetic location: 8p11.21.
Variant type: single nucleotide variant.
Coding change: c.1570T>C on transcript NM_001556.3 (MANE Select); coding-DNA position 1570, T replaced by C.
Protein change: p.Cys524Arg; replaces cysteine 524 with arginine.
Molecular consequence: missense variant. On other transcripts: non-coding transcript variant (2).
Genome position (GRCh38, 1-based): chr8:42,319,638, T>C. VCF-style: chr8-42319638-T-C. GRCh37 (hg19) VCF-style: chr8-42177156-T-C.
Other names: c.1378T>C, p.Cys460Arg (NM_001190720.3); c.1393T>C, p.Cys465Arg (NM_001242778.2); short protein forms C460R, C524R, C465R.
Identifiers: ClinVar variation 3637079 (VCV003637079.2).